The following is an entry in ClinVar:

ClinVar aggregate classification (germline): Pathogenic (1 of 4 stars; one submission).

Submission:

Labcorp Genetics (formerly Invitae), Labcorp
Classification: Pathogenic. Last evaluated: 2020-10-09. Review status: criteria provided, single submitter. Criteria: Invitae Variant Classification Sherloc (09022015). Collection method: clinical testing. Allele origin: germline.
Comment: This sequence change creates a premature translational stop signal (p.His690Leufs*3) in the PHEX gene. It is expected to result in an absent or disrupted protein product. For these reasons, this variant has been classified as Pathogenic. Loss-of-function variants in PHEX are known to be pathogenic (PMID: 9097956, 9106524, 19219621). This variant has not been reported in the literature in individuals with PHEX-related conditions. This variant is not present in population databases (ExAC no frequency).

Literature cited by the submitters: PubMed 9097956; PubMed 9106524; PubMed 19219621.

NM_000444.6(PHEX):c.2067_2068dup (p.His690fs)

Genes: PHEX (phosphate regulating endopeptidase X-linked; plus strand), PTCHD1-AS (PTCHD1 and PHEX antisense RNA; minus strand). Cytogenetic location: Xp22.11.
Variant type: Duplication.
Coding change: c.2067_2068dup on transcript NM_000444.6 (MANE Select); coding-DNA positions 2067 to 2068, 2 bases duplicated (TC; older notation c.2067_2068dupTC).
Protein change: p.His690fs; shifts the reading frame from histidine 690.
Molecular consequence: frameshift variant. On other transcripts: non-coding transcript variant (1).
Genome position (GRCh38, 1-based): chrX:22,227,608-22,227,609, TC duplicated; duplicating any 2 consecutive bases within chrX:22,227,607-22,227,609 gives the same sequence; the c. name uses the placement nearest the transcript's 3' end. VCF-style (leftmost placement, unchanged base first): chrX-22227606-G-GCT. GRCh37 (hg19) VCF-style: chrX-22245723-G-GCT.
Other names: c.2067_2068dup, p.His690fs (NM_001282754.2); short protein forms H690fs.
Identifiers: ClinVar variation 1073419 (VCV001073419.9), dbSNP rs2147184852, ClinGen allele CA2499226592.